The following is an entry in ClinVar:

NM_005422.4(TECTA):c.2048T>C (p.Val683Ala)

Genes: TBCEL-TECTA (TBCEL-TECTA readthrough; plus strand), TECTA (tectorin alpha; plus strand). Cytogenetic location: 11q23.3.
Variant type: single nucleotide variant.
Coding change: c.2048T>C on transcript NM_005422.4 (MANE Select); coding-DNA position 2048, T replaced by C.
Protein change: p.Val683Ala; replaces valine 683 with alanine.
Molecular consequence: missense variant.
Genome position (GRCh38, 1-based): chr11:121,128,025, T>C. VCF-style: chr11-121128025-T-C. GRCh37 (hg19) VCF-style: chr11-120998734-T-C.
Other names: c.3005T>C, p.Val1002Ala (NM_001378761.1); short protein forms V1002A, V683A.
Identifiers: ClinVar variation 5008594 (VCV005008594.1).

ClinVar aggregate classification (germline): Uncertain significance (1 of 4 stars; one submission).

gnomAD v4.1: 1 of 1,613,450 alleles (0.000062%); no homozygotes.

Submission:

GeneDx
Classification: Uncertain significance. Last evaluated: 2026-03-14. Review status: criteria provided, single submitter. Criteria: GeneDx Variant Classification Process June 2021. Collection method: clinical testing. Allele origin: germline.
Comment: Not observed at significant frequency in large population cohorts (gnomAD); In silico analysis supports that this missense variant has a deleterious effect on protein structure/function; Has not been previously published as pathogenic or benign to our knowledge; This variant is associated with the following publications: (PMID: 21520338, 31554319, 9590290)